The following is an entry in ClinVar:

NM_172107.4(KCNQ2):c.151G>C (p.Gly51Arg)

Gene: KCNQ2 (potassium voltage-gated channel subfamily Q member 2; minus strand). Cytogenetic location: 20q13.33.
Variant type: single nucleotide variant.
Coding change: c.151G>C on transcript NM_172107.4 (MANE Select); coding-DNA position 151, G replaced by C.
Protein change: p.Gly51Arg; replaces glycine 51 with arginine.
Molecular consequence: missense variant.
Genome position (GRCh38, 1-based): chr20:63,472,313, C>G on the plus strand (G>C on the coding strand, the complement: KCNQ2 is on the minus strand). VCF-style: chr20-63472313-C-G. GRCh37 (hg19) VCF-style: chr20-62103666-C-G.
Other names: c.151G>C, p.Gly51Arg (NM_001382235.1, NM_004518.6, NM_172106.3 and 2 more transcripts); short protein forms G51R.
Identifiers: ClinVar variation 2094141 (VCV002094141.4), dbSNP rs2516745178, ClinGen allele CA409635427.

ClinVar aggregate classification (germline): Uncertain significance (1 of 4 stars; one submission).

Conditions:
Early-infantile DEE. Also called: Ohtahara syndrome; Early infantile epileptic encephalopathy with suppression bursts; Early infantile epileptic encephalopathy. Identifiers: Orphanet 1934, MedGen C0393706, MONDO:0800491.

Submission:

Labcorp Genetics (formerly Invitae), Labcorp
Classification: Uncertain significance for Early-infantile DEE. Last evaluated: 2023-01-26. Review status: criteria provided, single submitter. Criteria: Invitae Variant Classification Sherloc (09022015). Collection method: clinical testing. Allele origin: germline.
Comment: In summary, the available evidence is currently insufficient to determine the role of this variant in disease. Therefore, it has been classified as a Variant of Uncertain Significance. Advanced modeling of protein sequence and biophysical properties (such as structural, functional, and spatial information, amino acid conservation, physicochemical variation, residue mobility, and thermodynamic stability) performed at Invitae indicates that this missense variant is not expected to disrupt KCNQ2 protein function. This variant has not been reported in the literature in individuals affected with KCNQ2-related conditions. This variant is not present in population databases (gnomAD no frequency). This sequence change replaces glycine, which is neutral and non-polar, with arginine, which is basic and polar, at codon 51 of the KCNQ2 protein (p.Gly51Arg).